The following is an entry in ClinVar:

ClinVar aggregate classification (germline): Benign/Likely benign. Review status: criteria provided, multiple submitters, no conflicts (2 of 4 stars). 3 submissions from 3 submitters: Benign (1); Likely benign (2). Last evaluated 2025-08-29.

Conditions:
Hereditary cancer-predisposing syndrome. Also called: Hereditary neoplastic syndrome; Neoplastic Syndromes, Hereditary; Tumor predisposition; Hereditary Cancer Syndrome. Identifiers: Orphanet 140162, MedGen C0027672, MeSH D009386, MONDO:0015356.
Tuberous sclerosis 2 (TSC2). Identifiers: Orphanet 805, MedGen C1860707, MONDO:0013199, OMIM 613254.

gnomAD v4.1: 8 of 1,611,666 alleles (0.0005%); highest among the groups gnomAD compares: South Asian, 0.0089%; no homozygotes.

Submissions (3):

Labcorp Genetics (formerly Invitae), Labcorp
Classification: Benign for Tuberous sclerosis 2. Last evaluated: 2025-08-29. Review status: criteria provided, single submitter. Criteria: Invitae Variant Classification Sherloc (09022015). Collection method: clinical testing. Allele origin: germline.

Myriad Genetics, Inc.
Classification: Likely benign for Tuberous sclerosis 2. Last evaluated: 2024-08-07. Review status: criteria provided, single submitter. Criteria: Myriad Autosomal Dominant, Autosomal Recessive and X-Linked Classification Criteria (2023). Collection method: clinical testing. Allele origin: unknown.
Comment: This variant is considered likely benign. This variant has been observed at a population frequency that is significantly greater than expected given the associated disease prevalence and penetrance.

Ambry Genetics
Classification: Likely benign for Hereditary cancer-predisposing syndrome. Last evaluated: 2024-06-21. Review status: criteria provided, single submitter. Criteria: Ambry Variant Classification Scheme 2023. Collection method: clinical testing. Allele origin: germline.

NM_000548.5(TSC2):c.1276C>G (p.Leu426Val)

Gene: TSC2 (TSC complex subunit 2; plus strand). Cytogenetic location: 16p13.3.
Variant type: single nucleotide variant.
Coding change: c.1276C>G on transcript NM_000548.5 (MANE Select); coding-DNA position 1276, C replaced by G.
Protein change: p.Leu426Val; replaces leucine 426 with valine.
Molecular consequence: missense variant.
Genome position (GRCh38, 1-based): chr16:2,062,515, C>G. VCF-style: chr16-2062515-C-G. GRCh37 (hg19) VCF-style: chr16-2112516-C-G.
Other names: c.1276C>G (NM_000548.3); c.1276C>G, p.Leu426Val (NM_001077183.3, NM_001114382.3, NM_001363528.2 and 3 more transcripts); c.1165C>G, p.Leu389Val (NM_001318827.2); c.1129C>G, p.Leu377Val (NM_001318829.2); c.676C>G, p.Leu226Val (NM_001318831.2); c.1309C>G, p.Leu437Val (NM_001318832.2); short protein forms L389V, L426V, L377V, L437V, L226V.
Identifiers: ClinVar variation 1043051 (VCV001043051.10), dbSNP rs45478593, ClinGen allele CA029122.